The following is an entry in ClinVar:

ClinVar aggregate classification (germline): Likely benign. Review status: criteria provided, single submitter (1 of 4 stars). 2 submissions from 2 submitters: Likely benign (1). 1 of the submissions does not count toward it. Last evaluated 2025-08-27.

Conditions:
3-methylcrotonyl-CoA carboxylase 1 deficiency (MCC1D). Also called: MCC 1 deficiency; 3 Alpha methylcrotonylglycinuria 1; MCCD TYPE 1; METHYLCROTONYLGLYCINURIA TYPE I. Identifiers: Orphanet 6, MedGen CN028786, MONDO:0008861, OMIM 210200.
MCCC1-related disorder. Also called: MCCC1-related condition.

Allele frequency attached by ClinVar (database versions not stated): gnomAD exomes 0.00001 and 0.00002; ExAC 0.00004; gnomAD 0.00006 and 0.00007; TOPMed 0.00007; ESP Exome Variant Server 0.00008; 1000 Genomes Project 0.00020; 1000 Genomes Project 30x 0.00047.
gnomAD v4.1: 29 of 1,613,932 alleles (0.0018%); highest among the groups gnomAD compares: African/African-American, 0.039%; no homozygotes.

Submissions (2):

Labcorp Genetics (formerly Invitae), Labcorp
Classification: Likely benign for 3-methylcrotonyl-CoA carboxylase 1 deficiency. Last evaluated: 2025-08-27. Review status: criteria provided, single submitter. Criteria: Invitae Variant Classification Sherloc (09022015). Collection method: clinical testing. Allele origin: germline.

PreventionGenetics, part of Exact Sciences
Classification: Likely benign for MCCC1-related condition. Last evaluated: 2019-02-21. Review status: no assertion criteria provided. Collection method: clinical testing. Allele origin: germline. Not counted in ClinVar's aggregate classification.
Comment: This variant is classified as likely benign based on ACMG/AMP sequence variant interpretation guidelines (Richards et al. 2015 PMID: 25741868, with internal and published modifications).

NM_020166.5(MCCC1):c.384A>C (p.Gly128=)

Gene: MCCC1 (methylcrotonyl-CoA carboxylase subunit 1; minus strand). Cytogenetic location: 3q27.1.
Variant type: single nucleotide variant.
Coding change: c.384A>C on transcript NM_020166.5 (MANE Select); coding-DNA position 384, A replaced by C.
Protein change: p.Gly128=; no amino-acid change (glycine 128 retained).
Molecular consequence: synonymous variant. On other transcripts: non-coding transcript variant (2), intron variant (1).
Genome position (GRCh38, 1-based): chr3:183,072,473, T>G on the plus strand (A>C on the coding strand, the complement: MCCC1 is on the minus strand). VCF-style: chr3-183072473-T-G. GRCh37 (hg19) VCF-style: chr3-182790261-T-G.
Other names: c.384A>C (NM_020166.4); c.57A>C, p.Gly19= (NM_001363880.1); c.141-1116A>C (NM_001293273.2).
Identifiers: ClinVar variation 1144116 (VCV001144116.11), dbSNP rs139091481, ClinGen allele CA2719081.